The following is an entry in ClinVar:

NM_001355436.2(SPTB):c.4973+5G>A

Gene: SPTB (spectrin beta, erythrocytic; minus strand). Cytogenetic location: 14q23.3.
Variant type: single nucleotide variant.
Coding change: c.4973+5G>A on transcript NM_001355436.2 (MANE Select); 5 bases into the intron after coding-DNA position 4973, G replaced by A.
Molecular consequence: intron variant.
Genome position (GRCh38, 1-based): chr14:64,774,392, C>T on the plus strand (G>A on the coding strand, the complement: SPTB is on the minus strand). VCF-style: chr14-64774392-C-T. GRCh37 (hg19) VCF-style: chr14-65241110-C-T.
Other names: c.4973+5G>A (NM_001024858.4, NM_001355437.2).
Identifiers: ClinVar variation 544813 (VCV000544813.20), dbSNP rs1555367789, ClinGen allele CA658798223.

ClinVar aggregate classification (germline): Pathogenic/Likely pathogenic. Review status: criteria provided, multiple submitters, no conflicts (2 of 4 stars). 6 submissions from 6 submitters: Pathogenic (1); Likely pathogenic (5). Last evaluated 2025-11-27.

Conditions:
Hereditary spherocytosis type 2. Also called: SPHEROCYTOSIS, TYPE 2, AUTOSOMAL DOMINANT. Identifiers: Orphanet 822, MedGen C2674219, MONDO:0000913, OMIM 616649.
SPTB-related disorder. Also called: SPTB-Related Disorders; SPTB-related condition.

Allele frequency attached by ClinVar (database versions not stated): gnomAD exomes below 0.00001; TOPMed below 0.00001.
gnomAD v4.1: 1 of 1,586,546 alleles (0.000063%); highest among the groups gnomAD compares: Non-Finnish European, 0.000086%; no homozygotes.

Submissions (6):

Labcorp Genetics (formerly Invitae), Labcorp
Classification: Pathogenic. Last evaluated: 2025-11-27. Review status: criteria provided, single submitter. Criteria: Invitae Variant Classification Sherloc (09022015). Collection method: clinical testing. Allele origin: germline.
Comment: This sequence change falls in intron 23 of the SPTB gene. It does not directly change the encoded amino acid sequence of the SPTB protein. It affects a nucleotide within the consensus splice site. This variant is not present in population databases (gnomAD no frequency). This variant has been observed in individual(s) with spherocytosis (PMID: 29572776, 31807509; internal data). In at least one individual the variant was observed to be de novo. ClinVar contains an entry for this variant (Variation ID: 544813). Variants that disrupt the consensus splice site are a relatively common cause of aberrant splicing (PMID: 17576681, 9536098). Algorithms developed to predict the effect of sequence changes on RNA splicing suggest that this variant may disrupt the consensus splice site. For these reasons, this variant has been classified as Pathogenic.

ARUP Laboratories, Molecular Genetics and Genomics, ARUP Laboratories
Classification: Likely pathogenic. Last evaluated: 2025-04-01. Review status: criteria provided, single submitter. Criteria: ARUP Molecular Germline Variant Investigation Process 2024. Collection method: clinical testing. Allele origin: germline.
Comment: The SPTB c.4973+5G>A variant (rs1555367789, ClinVar variation ID: 544813) is reported in the literature in individuals affected with hereditary spherocytosis (Mansour-Hendili 2020, Wang 2018, Xue 2019). This variant is absent from the Genome Aggregation Database (v2.1.1), indicating it is not a common polymorphism. This is an intronic variant and computational analyses (Alamut Visual Plus v.1.12) predict that this variant may impact splicing by weakening the nearby canonical donor splice site. Based on available information, this variant is considered to be likely pathogenic. References: Mansour-Hendili L et al. Exome sequencing for diagnosis of congenital hemolytic anemia. Orphanet J Rare Dis. 2020 Jul 8. PMID: 32641076. Wang R et al. Exome sequencing confirms molecular diagnoses in 38 Chinese families with hereditary spherocytosis. Sci China Life Sci. 2018 Aug. PMID: 29572776. Xue J et al. Clinical utility of targeted gene enrichment and sequencing technique in the diagnosis of adult hereditary spherocytosis. Ann Transl Med. 2019 Oct. PMID: 31807509.

Revvity Omics, Revvity
Classification: Likely pathogenic. Last evaluated: 2024-04-29. Review status: criteria provided, single submitter. Criteria: ACMG Guidelines, 2015. Collection method: clinical testing. Allele origin: germline.

Blueprint Genetics
Classification: Likely pathogenic for SPTB-related disorders. Last evaluated: 2021-11-26. Review status: criteria provided, single submitter. Criteria: ACMG Guidelines, 2015. Collection method: clinical testing. Allele origin: germline. Affected: yes. Observed: 1 variant allele.

Mayo Clinic Laboratories, Mayo Clinic
Classification: Likely pathogenic. Last evaluated: 2019-12-18. Review status: criteria provided, single submitter. Criteria: ACMG Guidelines, 2015. Collection method: clinical testing. Allele origin: germline. Observed: 1 variant allele.
Comment: PS4_moderate, PM2, PP3, PP5

Department of Genetic, Henri Mondor Hospital, Assistance Publique des Hôpitaux de Paris
Classification: Likely pathogenic for Hereditary spherocytosis type 2. Last evaluated: 2018-02-27. Review status: criteria provided, single submitter. Criteria: ACMG Guidelines, 2015. Collection method: clinical testing. Allele origin: germline. Affected: yes.

Literature cited by the submitters: PubMed 29572776 (cited by Labcorp Genetics (formerly Invitae), Labcorp); PubMed 31807509 (cited by Labcorp Genetics (formerly Invitae), Labcorp and Mayo Clinic Laboratories, Mayo Clinic); PubMed 17576681 (cited by Labcorp Genetics (formerly Invitae), Labcorp); PubMed 9536098 (cited by Labcorp Genetics (formerly Invitae), Labcorp).